The following is an entry in ClinVar:

NM_000238.4(KCNH2):c.1693G>T (p.Ala565Ser)

Gene: KCNH2 (potassium voltage-gated channel subfamily H member 2; minus strand). Cytogenetic location: 7q36.1.
Variant type: single nucleotide variant.
Coding change: c.1693G>T on transcript NM_000238.4 (MANE Select); coding-DNA position 1693, G replaced by T.
Protein change: p.Ala565Ser; replaces alanine 565 with serine.
Molecular consequence: missense variant.
Genome position (GRCh38, 1-based): chr7:150,951,700, C>A on the plus strand (G>T on the coding strand, the complement: KCNH2 is on the minus strand). VCF-style: chr7-150951700-C-A. GRCh37 (hg19) VCF-style: chr7-150648788-C-A.
Other names: c.673G>T, p.Ala225Ser (NM_001204798.2, NM_172057.3); c.1405G>T, p.Ala469Ser (NM_001406753.1, NM_001406756.1); c.1516G>T, p.Ala506Ser (NM_001406755.1); c.1393G>T, p.Ala465Ser (NM_001406757.1); c.1693G>T, p.Ala565Ser (NM_172056.3); short protein forms A225S, A565S, A465S, A506S, A469S.
Identifiers: ClinVar variation 519393 (VCV000519393.7), dbSNP rs199473518, ClinGen allele CA369858763.

ClinVar aggregate classification (germline): Uncertain significance (1 of 4 stars; one submission).

Conditions:
Cardiovascular phenotype. Identifiers: MedGen CN230736.

Allele frequency attached by ClinVar (database versions not stated): gnomAD exomes below 0.00001.
gnomAD v4.1: 1 of 1,614,152 alleles (0.000062%); highest among the groups gnomAD compares: Non-Finnish European, 0.000085%; no homozygotes.

Submission:

Ambry Genetics
Classification: Uncertain significance for Cardiovascular phenotype. Last evaluated: 2017-02-20. Review status: criteria provided, single submitter. Criteria: Ambry Variant Classification Scheme 2023. Collection method: clinical testing. Allele origin: germline.
Comment: The p.A565S variant (also known as c.1693G>T), located in coding exon 7 of the KCNH2 gene, results from a G to T substitution at nucleotide position 1693. The alanine at codon 565 is replaced by serine, an amino acid with similar properties. This alteration has been reported in a long QT syndrome (LQTS) cohort (Itoh H et al. Eur J Hum Genet. 2016;24:1160-6). Other alterations affecting the same amino acid, p.A565T (c.1693G>A) and p.A565P (c.1693G>C), have also been reported in LQTS cohorts; however, clinical details were not provided (Kapplinger JD et al. Heart Rhythm. 2009;6:1297-303; Burgos M et al. Mol Diagn Ther. 2016;20(4):353-62). This amino acid position is well conserved in available vertebrate species. In addition, this alteration is predicted to be deleterious by in silico analysis. Since supporting evidence is limited at this time, the clinical significance of this alteration remains unclear.

Literature cited by the submitters: PubMed 26669661.